The following continues an entry in ClinVar:

NM_000478.6(ALPL):c.648+1G>A

Gene: ALPL. ClinVar aggregate classification (germline): Pathogenic. Pathogenic (14).

Submissions 11 to 16 of 16:

Dasa
Classification: Pathogenic for Hypophosphatasia. Last evaluated: 2022-03-05. Review status: criteria provided, single submitter. Criteria: ACMG Guidelines, 2015. Collection method: clinical testing. Allele origin: germline. Affected: yes. Observed: 1 variant allele.
Comment: The c.648+1G>A variant is located in a canonical splice-site, and it is not predicted the protein reading frame alteration, however, occur in a critical region and the variant disrupts >10% of the protein - PVS1_strong. This sequence change has been observed in affected individual(s) and ClinVar contains an entry for this variant (ClinVar ID: 13678; PMID: 19232125; PMID: 11745997; PMID: 9781036) - PS4. This variant is not present in population databases (rs749544042- gnomAD; ABraOM no frequency) - PM2. The c.648+1G>A was detected in trans with a pathogenic variant (PMID: 19232125; PMID: 9781036; PMID: 23454488) - PM3. The variant was identified in an individual with a highly specific phenotype for the condition -PP4. In summary, the currently available evidence indicates that the variant is pathogenic.

Women's Health and Genetics/Laboratory Corporation of America, LabCorp
Classification: Pathogenic for Hypophosphatasia. Last evaluated: 2021-07-30. Review status: criteria provided, single submitter. Criteria: LabCorp Variant Classification Summary - May 2015. Collection method: clinical testing. Allele origin: germline.
Comment: Variant summary: ALPL c.648+1G>A is located in a canonical splice-site and is predicted to affect mRNA splicing resulting in a significantly altered protein due to either exon skipping, shortening, or inclusion of intronic material. Several computational tools predict a significant impact on normal splicing: Four predict the variant abolishes a 5 acceptor site. However, these predictions have yet to be confirmed by functional studies. The variant allele was found at a frequency of 4e-06 in 250046 control chromosomes (gnomAD). c.648+1G>A has been reported in the literature in multiple individuals in both compound heterozygous and heterozygous state affected with Hypophosphatasia (example: Angel_2020, Araci_2021, Krishnani_2021). These data indicate that the variant is very likely to be associated with disease. Reduced enzymatic activity was noted in both compound heterozygous and heterozygous patients carrying the variant (example: Angel_2020, Krishnani_2021). Two ClinVar submitters (evaluation after 2014) cite the variant as pathogenic in germline origin. Based on the evidence outlined above, the variant was classified as pathogenic.

Blueprint Genetics
Classification: Pathogenic for ALPL-related disorders. Last evaluated: 2020-06-26. Review status: criteria provided, single submitter. Criteria: ACMG Guidelines, 2015. Collection method: clinical testing. Allele origin: germline. Affected: yes. Observed: 3 variant alleles.

Molecular Diagnostics Laboratory, M Health Fairview: University of Minnesota
Classification: Pathogenic for Infantile hypophosphatasia. Last evaluated: 2017-01-02. Review status: criteria provided, single submitter. Criteria: ACMG Guidelines, 2015. Collection method: clinical testing. Allele origin: somatic. Affected: yes. Observed: 1 variant allele.

Bioscientia Institut fuer Medizinische Diagnostik GmbH, Sonic Healthcare
Classification: Pathogenic for Infantile hypophosphatasia. Last evaluated: 2018-12-12. Review status: no assertion criteria provided. Collection method: clinical testing. Allele origin: germline. Affected: yes. Not counted in ClinVar's aggregate classification.

OMIM
Classification: Pathogenic for HYPOPHOSPHATASIA, PERINATAL LETHAL. Last evaluated: 2001-10-15. Review status: no assertion criteria provided. Collection method: literature only. Allele origin: germline. Not counted in ClinVar's aggregate classification.

Literature cited by the submitters: PubMed 16199547 (cited by Labcorp Genetics (formerly Invitae), Labcorp); PubMed 3174660 (cited by Labcorp Genetics (formerly Invitae), Labcorp); PubMed 10679946 (cited by Labcorp Genetics (formerly Invitae), Labcorp); PubMed 32973344 (cited by Labcorp Genetics (formerly Invitae), Labcorp and Genomenon, Inc); PubMed 33814268 (cited by 5 submitters); PubMed 9781036 (cited by Labcorp Genetics (formerly Invitae), Labcorp and Dasa); PubMed 11745997 (cited by 5 submitters); PubMed 19232125 (cited by 5 submitters); PubMed 39252126 (cited by JKU Lab, Dept of Paediatrics, Johannes Kepler University); PubMed 32160374 (cited by JKU Lab, Dept of Paediatrics, Johannes Kepler University and Women's Health and Genetics/Laboratory Corporation of America, LabCorp); PubMed 25731960 (cited by JKU Lab, Dept of Paediatrics, Johannes Kepler University and Genomenon, Inc); PubMed 30283886 (cited by JKU Lab, Dept of Paediatrics, Johannes Kepler University); PubMed 33601892 (cited by 4 submitters); PubMed 30249491 (cited by JKU Lab, Dept of Paediatrics, Johannes Kepler University and Genomenon, Inc); PubMed 35878747 (cited by JKU Lab, Dept of Paediatrics, Johannes Kepler University and Genomenon, Inc); PubMed 29236161 (cited by 3 submitters); PubMed 38884565 (cited by Genomenon, Inc); PubMed 32811521 (cited by Genomenon, Inc); PubMed 33101980 (cited by Genomenon, Inc and Ambry Genetics); PubMed 28580391 (cited by Genomenon, Inc); PubMed 23454488 (cited by Dasa).